The following is an entry in ClinVar:

ClinVar aggregate classification (germline): Uncertain significance (1 of 4 stars; one submission).

Allele frequency attached by ClinVar (database versions not stated): gnomAD exomes below 0.00001.
gnomAD v4.1: 1 of 1,614,230 alleles (0.000062%); highest among the groups gnomAD compares: South Asian, 0.0011%; no homozygotes.

Submission:

GeneDx
Classification: Uncertain significance. Last evaluated: 2025-08-19. Review status: criteria provided, single submitter. Criteria: GeneDx Variant Classification Process June 2021. Collection method: clinical testing. Allele origin: germline.
Comment: Not observed at significant frequency in large population cohorts (gnomAD); In silico analysis suggests that this missense variant does not alter protein structure/function; Has not been previously published as pathogenic or benign to our knowledge

NM_001288705.3(CSF1R):c.2579T>C (p.Leu860Pro)

Gene: CSF1R (colony stimulating factor 1 receptor; minus strand). Cytogenetic location: 5q32.
Variant type: single nucleotide variant.
Coding change: c.2579T>C on transcript NM_001288705.3 (MANE Select); coding-DNA position 2579, T replaced by C.
Protein change: p.Leu860Pro; replaces leucine 860 with proline.
Molecular consequence: missense variant. On other transcripts: non-coding transcript variant (2).
Genome position (GRCh38, 1-based): chr5:150,055,312, A>G on the plus strand (T>C on the coding strand, the complement: CSF1R is on the minus strand). VCF-style: chr5-150055312-A-G. GRCh37 (hg19) VCF-style: chr5-149434875-A-G.
Other names: c.2579T>C, p.Leu860Pro (NM_001349736.2, NM_001375320.1, NM_005211.4); c.2135T>C, p.Leu712Pro (NM_001375321.1); short protein forms L712P, L860P.
Identifiers: ClinVar variation 2412931 (VCV002412931.4), dbSNP rs2480942999, ClinGen allele CA361758107.
Genomic context (GRCh38, chr5:150,055,312, plus strand): 5'-AATGCAGGCTGGGCCATTTGGTATCCATCCTTCACCAGTTTATAGAACTTGCTGTTCACC[A>G]GGATGCCAGGGTAGGGATTCAGCCCTGCAAAGGCCAAGATCAGGTAAGAGGCCATGCCCA-3'
Protein context (NP_001275634.1, residues 850-870): SLGLNPYPGI[Leu860Pro]VNSKFYKLVK